The following is an entry in ClinVar:

ClinVar aggregate classification (germline): Pathogenic (1 of 4 stars; one submission).

Conditions:
Nance-Horan syndrome (NHS). Identifiers: Orphanet 627, MedGen C0796085, MONDO:0010545, OMIM 302350.

Submission:

Labcorp Genetics (formerly Invitae), Labcorp
Classification: Pathogenic for Nance-Horan syndrome. Last evaluated: 2017-06-26. Review status: criteria provided, single submitter. Criteria: Invitae Variant Classification Sherloc (09022015). Collection method: clinical testing. Allele origin: germline.
Comment: For these reasons, this variant has been classified as Pathogenic. While this particular variant has not been reported in the literature, loss-of-function variants in NHS are known to be pathogenic (PMID: 15623749, 15466011). This sequence change deletes 4 nucleotides from exon 6 of the NHS mRNA (c.1399_1402delGACA), causing a frameshift at codon 467. This creates a premature translational stop signal (p.Asp467Lysfs*10) and is expected to result in an absent or disrupted protein product.

Literature cited by the submitters: PubMed 15623749; PubMed 15466011.

NM_001291867.2(NHS):c.1462_1465del (p.Asp488fs)

Gene: NHS (NHS actin remodeling regulator; plus strand). Cytogenetic location: Xp22.13.
Variant type: Deletion.
Coding change: c.1462_1465del on transcript NM_001291867.2 (MANE Select); coding-DNA positions 1462 to 1465, 4 bases deleted (GACA; older notation c.1462_1465delGACA).
Protein change: p.Asp488fs; shifts the reading frame from aspartic acid 488.
Molecular consequence: frameshift variant.
Genome position (GRCh38, 1-based): chrX:17,725,568-17,725,571, GACA deleted; deleting any 4 consecutive bases within chrX:17,725,566-17,725,571 gives the same sequence; the c. name uses the placement nearest the transcript's 3' end. VCF-style (leftmost placement, unchanged base first): chrX-17725565-GCAGA-G. GRCh37 (hg19) VCF-style: chrX-17743685-GCAGA-G.
Other names: c.931_934del, p.Asp311fs (NM_001136024.4); c.868_871del, p.Asp290fs (NM_001291868.2); c.1399_1402del, p.Asp467fs (NM_198270.4); short protein forms D311fs, D488fs, D467fs, D290fs.
Identifiers: ClinVar variation 463037 (VCV000463037.6), dbSNP rs1556038355, ClinGen allele CA658658934.